The following is an entry in ClinVar:

ClinVar aggregate classification (germline): Uncertain significance. Review status: criteria provided, multiple submitters, no conflicts (2 of 4 stars). 2 submissions from 2 submitters: Uncertain significance (2). Last evaluated 2024-07-29.

Conditions:
Hereditary cancer-predisposing syndrome. Also called: Neoplastic Syndromes, Hereditary; Tumor predisposition; Hereditary neoplastic syndrome; Hereditary Cancer Syndrome. Identifiers: Orphanet 140162, MedGen C0027672, MeSH D009386, MONDO:0015356.
Retinoblastoma (RB1). Also called: RETINOBLASTOMA, SOMATIC. Identifiers: Orphanet 790, MedGen C0035335, MeSH D012175, MONDO:0008380, OMIM 180200, HP:0009919. Disease mechanism: loss of function. Inheritance: Both sporadic and heritable forms are tested..

Submissions (2):

Ambry Genetics
Classification: Uncertain significance for Hereditary cancer-predisposing syndrome. Last evaluated: 2024-07-29. Review status: criteria provided, single submitter. Criteria: Ambry Variant Classification Scheme 2023. Collection method: clinical testing. Allele origin: germline.
Comment: The p.I124M variant (also known as c.372A>G), located in coding exon 3 of the RB1 gene, results from an A to G substitution at nucleotide position 372. The isoleucine at codon 124 is replaced by methionine, an amino acid with highly similar properties. This amino acid position is well conserved in available vertebrate species. In addition, this alteration is predicted to be tolerated by in silico analysis. Based on the available evidence, the clinical significance of this variant remains unclear.

Labcorp Genetics (formerly Invitae), Labcorp
Classification: Uncertain significance for Retinoblastoma. Last evaluated: 2022-07-12. Review status: criteria provided, single submitter. Criteria: Invitae Variant Classification Sherloc (09022015). Collection method: clinical testing. Allele origin: germline.
Comment: Algorithms developed to predict the effect of missense changes on protein structure and function are either unavailable or do not agree on the potential impact of this missense change (SIFT: "Deleterious"; PolyPhen-2: "Benign"; Align-GVGD: "Class C0"). This sequence change replaces isoleucine, which is neutral and non-polar, with methionine, which is neutral and non-polar, at codon 124 of the RB1 protein (p.Ile124Met). This variant is not present in population databases (gnomAD no frequency). This variant has not been reported in the literature in individuals affected with RB1-related conditions. ClinVar contains an entry for this variant (Variation ID: 824133). In summary, the available evidence is currently insufficient to determine the role of this variant in disease. Therefore, it has been classified as a Variant of Uncertain Significance.

NM_000321.3(RB1):c.372A>G (p.Ile124Met)

Gene: RB1 (RB transcriptional corepressor 1; plus strand). Cytogenetic location: 13q14.2.
Variant type: single nucleotide variant.
Coding change: c.372A>G on transcript NM_000321.3 (MANE Select); coding-DNA position 372, A replaced by G.
Protein change: p.Ile124Met; replaces isoleucine 124 with methionine.
Molecular consequence: missense variant.
Genome position (GRCh38, 1-based): chr13:48,342,706, A>G. VCF-style: chr13-48342706-A-G. GRCh37 (hg19) VCF-style: chr13-48916842-A-G.
Other names: short protein forms I124M.
Identifiers: ClinVar variation 824133 (VCV000824133.14), dbSNP rs1593434342, ClinGen allele CA388252556.